The following is an entry in ClinVar:

NM_000396.4(CTSK):c.566T>C (p.Val189Ala)

Gene: CTSK (cathepsin K; minus strand). Cytogenetic location: 1q21.3.
Variant type: single nucleotide variant.
Coding change: c.566T>C on transcript NM_000396.4 (MANE Select); coding-DNA position 566, T replaced by C.
Protein change: p.Val189Ala; replaces valine 189 with alanine.
Molecular consequence: missense variant.
Genome position (GRCh38, 1-based): chr1:150,804,073, A>G on the plus strand (T>C on the coding strand, the complement: CTSK is on the minus strand). VCF-style: chr1-150804073-A-G. GRCh37 (hg19) VCF-style: chr1-150776549-A-G.
Other names: short protein forms V189A.
Identifiers: ClinVar variation 3647826 (VCV003647826.1).

ClinVar aggregate classification (germline): Uncertain significance (1 of 4 stars; one submission).

gnomAD v4.1: 4 of 1,614,180 alleles (0.00025%); highest among the groups gnomAD compares: Non-Finnish European, 0.00025%; no homozygotes.

Submission:

Labcorp Genetics (formerly Invitae), Labcorp
Classification: Uncertain significance. Last evaluated: 2024-08-06. Review status: criteria provided, single submitter. Criteria: Invitae Variant Classification Sherloc (09022015). Collection method: clinical testing. Allele origin: germline.
Comment: This sequence change replaces valine, which is neutral and non-polar, with alanine, which is neutral and non-polar, at codon 189 of the CTSK protein (p.Val189Ala). This variant is present in population databases (rs200014002, gnomAD 0.01%). This variant has not been reported in the literature in individuals affected with CTSK-related conditions. Advanced modeling of protein sequence and biophysical properties (such as structural, functional, and spatial information, amino acid conservation, physicochemical variation, residue mobility, and thermodynamic stability) performed at Invitae indicates that this missense variant is not expected to disrupt CTSK protein function with a negative predictive value of 80%. In summary, the available evidence is currently insufficient to determine the role of this variant in disease. Therefore, it has been classified as a Variant of Uncertain Significance.